The following is an entry in ClinVar:

ClinVar aggregate classification (germline): Uncertain significance (1 of 4 stars; one submission).

Conditions:
Spastic paraplegia. Identifiers: MedGen C0037772, HP:0001258.

Submission:

Labcorp Genetics (formerly Invitae), Labcorp
Classification: Uncertain significance for Spastic paraplegia. Last evaluated: 2022-05-04. Review status: criteria provided, single submitter. Criteria: Invitae Variant Classification Sherloc (09022015). Collection method: clinical testing. Allele origin: germline.
Comment: This variant has not been reported in the literature in individuals affected with ZFYVE26-related conditions. In summary, the available evidence is currently insufficient to determine the role of this variant in disease. Therefore, it has been classified as a Variant of Uncertain Significance. This variant results in a copy number gain of the genomic region encompassing exon(s) 2-35 of the ZFYVE26 gene. This region includes the initiator codon of the gene. This copy number gain extends beyond the assayed region for this gene and therefore may encompass additional genes. As the precise location of this event is unknown, it may be in tandem or it may be located elsewhere in the genome.

NC_000014.8:g.(?_68228063)_(68282680_?)dup

Gene: ZFYVE26 (zinc finger FYVE-type containing 26; minus strand). Cytogenetic location: 14q24.1.
Variant type: Duplication.
Identifiers: ClinVar variation 2426144 (VCV002426144.4).